The following is an entry in ClinVar:

ClinVar aggregate classification (germline): Pathogenic (0 of 4 stars; one submission).

Submission:

GenMed Metabolism Lab
Classification: Pathogenic. Review status: no assertion criteria provided. Collection method: not provided. Allele origin: unknown.
ClinVar note: Converted during submission from pathogenic to Pathogenic.

NM_000531.6(OTC):c.243_245del (p.Leu82del)

Gene: OTC (ornithine transcarbamylase; plus strand). Cytogenetic location: Xp11.4.
Variant type: Deletion.
Coding change: c.243_245del on transcript NM_000531.6 (MANE Select); coding-DNA positions 243 to 245, 3 bases deleted (CTT; older notation c.243_245delCTT).
Protein change: p.Leu82del; deletes leucine 82.
Molecular consequence: inframe deletion.
Genome position (GRCh38, 1-based): chrX:38,369,822-38,369,824, CTT deleted. VCF-style (leftmost placement, unchanged base first): chrX-38369821-CCTT-C. GRCh37 (hg19) VCF-style: chrX-38229074-CCTT-C.
Other names: short protein forms L82del.
Identifiers: ClinVar variation 97141 (VCV000097141.2), dbSNP rs72554334, ClinGen allele CA224514.